The following is an entry in ClinVar:

NM_005765.3(ATP6AP2):c.615G>C (p.Lys205Asn)

Gene: ATP6AP2 (ATPase H+ transporting accessory protein 2; plus strand). Cytogenetic location: Xp11.4.
Variant type: single nucleotide variant.
Coding change: c.615G>C on transcript NM_005765.3 (MANE Select); coding-DNA position 615, G replaced by C.
Protein change: p.Lys205Asn; replaces lysine 205 with asparagine.
Molecular consequence: missense variant.
Genome position (GRCh38, 1-based): chrX:40,599,618, G>C. VCF-style: chrX-40599618-G-C. GRCh37 (hg19) VCF-style: chrX-40458870-G-C.
Other names: short protein forms K205N.
Identifiers: ClinVar variation 1473519 (VCV001473519.8), dbSNP rs1242256343, ClinGen allele CA412756602.
Genomic context (GRCh38, chrX:40,599,618, plus strand): 5'-CCGCTACCTTTTTTTGTTTGTTTGTTCTCCTAAGCTGTCTCGTCATAAGCATCTAGCCAA[G>C]GATCATTCTCCTGATTTATATTCACTGGAGCTGGCAGGTTTGGATGAAATTGGGAAGCGT-3'
Protein context (NP_005756.2, residues 195-215): SLLSRHKHLA[Lys205Asn]DHSPDLYSLE

ClinVar aggregate classification (germline): Uncertain significance (1 of 4 stars; one submission).

Conditions:
Intellectual developmental disorder, X-linked, syndromic, Hedera type. Also called: Syndromic X-linked intellectual disability Hedera type. Identifiers: Orphanet 93952, MedGen C1845543, MONDO:0010319, OMIM 300423.

Allele frequency attached by ClinVar (database versions not stated): TOPMed below 0.00001; gnomAD 0.00001; gnomAD exomes below 0.00001 and 0.00001.

Submission:

Labcorp Genetics (formerly Invitae), Labcorp
Classification: Uncertain significance for Intellectual developmental disorder, X-linked, syndromic, Hedera type. Last evaluated: 2025-02-25. Review status: criteria provided, single submitter. Criteria: Invitae Variant Classification Sherloc (09022015). Collection method: clinical testing. Allele origin: germline.
Comment: This sequence change replaces lysine, which is basic and polar, with asparagine, which is neutral and polar, at codon 205 of the ATP6AP2 protein (p.Lys205Asn). This variant is present in population databases (no rsID available, gnomAD 0.004%). This variant has not been reported in the literature in individuals affected with ATP6AP2-related conditions. ClinVar contains an entry for this variant (Variation ID: 1473519). Invitae Evidence Modeling of protein sequence and biophysical properties (such as structural, functional, and spatial information, amino acid conservation, physicochemical variation, residue mobility, and thermodynamic stability) indicates that this missense variant is not expected to disrupt ATP6AP2 protein function with a negative predictive value of 80%. In summary, the available evidence is currently insufficient to determine the role of this variant in disease. Therefore, it has been classified as a Variant of Uncertain Significance.